The following is an entry in ClinVar:

NM_006904.7(PRKDC):c.11590C>T (p.Arg3864Cys)

Gene: PRKDC (protein kinase, DNA-activated, catalytic subunit; minus strand). Cytogenetic location: 8q11.21.
Variant type: single nucleotide variant.
Coding change: c.11590C>T on transcript NM_006904.7 (MANE Select); coding-DNA position 11590, C replaced by T.
Protein change: p.Arg3864Cys; replaces arginine 3864 with cysteine.
Molecular consequence: missense variant.
Genome position (GRCh38, 1-based): chr8:47,778,789, G>A on the plus strand (C>T on the coding strand, the complement: PRKDC is on the minus strand). VCF-style: chr8-47778789-G-A. GRCh37 (hg19) VCF-style: chr8-48691350-G-A.
Other names: c.11497C>T, p.Arg3833Cys (NM_001081640.2); short protein forms R3833C, R3864C.
Identifiers: ClinVar variation 1005818 (VCV001005818.4), dbSNP rs377101643, ClinGen allele CA176133871.

ClinVar aggregate classification (germline): Uncertain significance (1 of 4 stars; one submission).

Conditions:
Severe combined immunodeficiency due to DNA-PKcs deficiency. Also called: IMMUNODEFICIENCY 26 WITH NEUROLOGIC ABNORMALITIES; Immunodeficiency 26 with or without neurologic abnormalities. Identifiers: Orphanet 317425, MedGen C4014833, MONDO:0014423, OMIM 615966.

Allele frequency attached by ClinVar (database versions not stated): gnomAD exomes below 0.00001 and 0.00001; gnomAD 0.00001; TOPMed 0.00001; ESP Exome Variant Server 0.00008.
gnomAD v4.1: 8 of 1,613,298 alleles (0.0005%); highest among the groups gnomAD compares: Middle Eastern, 0.016%; no homozygotes.

Submission:

Labcorp Genetics (formerly Invitae), Labcorp
Classification: Uncertain significance for Severe combined immunodeficiency due to DNA-PKcs deficiency. Last evaluated: 2022-09-09. Review status: criteria provided, single submitter. Criteria: Invitae Variant Classification Sherloc (09022015). Collection method: clinical testing. Allele origin: germline.
Comment: ClinVar contains an entry for this variant (Variation ID: 1005818). This variant has not been reported in the literature in individuals affected with PRKDC-related conditions. The frequency data for this variant in the population databases is considered unreliable, as metrics indicate poor data quality at this position in the gnomAD database. This sequence change replaces arginine, which is basic and polar, with cysteine, which is neutral and slightly polar, at codon 3864 of the PRKDC protein (p.Arg3864Cys). Experimental studies and prediction algorithms are not available or were not evaluated, and the functional significance of this variant is currently unknown. In summary, the available evidence is currently insufficient to determine the role of this variant in disease. Therefore, it has been classified as a Variant of Uncertain Significance.